The following is an entry in ClinVar:

ClinVar aggregate classification (germline): Uncertain significance (1 of 4 stars; one submission).

Conditions:
Hereditary cancer-predisposing syndrome. Also called: Neoplastic Syndromes, Hereditary; Tumor predisposition; Hereditary Cancer Syndrome; Hereditary neoplastic syndrome. Identifiers: Orphanet 140162, MedGen C0027672, MeSH D009386, MONDO:0015356.

Submission:

Ambry Genetics
Classification: Uncertain significance for Hereditary cancer-predisposing syndrome. Last evaluated: 2022-03-26. Review status: criteria provided, single submitter. Criteria: Ambry Variant Classification Scheme 2023. Collection method: clinical testing. Allele origin: germline.
Comment: The p.C977F variant (also known as c.2930G>T), located in coding exon 25 of the TSC2 gene, results from a G to T substitution at nucleotide position 2930. The cysteine at codon 977 is replaced by phenylalanine, an amino acid with highly dissimilar properties. This amino acid position is conserved. In addition, the in silico prediction for this alteration is inconclusive. Since supporting evidence is limited at this time, the clinical significance of this alteration remains unclear.

NM_000548.5(TSC2):c.2930G>T (p.Cys977Phe)

Gene: TSC2 (TSC complex subunit 2; plus strand). Cytogenetic location: 16p13.3.
Variant type: single nucleotide variant.
Coding change: c.2930G>T on transcript NM_000548.5 (MANE Select); coding-DNA position 2930, G replaced by T.
Protein change: p.Cys977Phe; replaces cysteine 977 with phenylalanine.
Molecular consequence: missense variant. On other transcripts: intron variant (9).
Genome position (GRCh38, 1-based): chr16:2,077,690, G>T. VCF-style: chr16-2077690-G-T. GRCh37 (hg19) VCF-style: chr16-2127691-G-T.
Other names: c.2930G>T, p.Cys977Phe (NM_001114382.3, NM_001406663.1, NM_001406664.1); c.2819G>T, p.Cys940Phe (NM_001406670.1); c.2783G>T, p.Cys928Phe (NM_001406675.1, NM_001406676.1); c.2330G>T, p.Cys777Phe (NM_001406680.1, NM_001406682.1, NM_001406683.1 and 1 more transcripts); c.1586G>T, p.Cys529Phe (NM_001406689.1); c.2837+1105G>T (NM_021055.3, NM_001370405.1, NM_001363528.2 and 2 more transcripts); c.2726+1105G>T (NM_001318827.2); c.2237+1105G>T (NM_001318831.2); and 2 more; short protein forms C777F, C529F, C977F, C928F, C940F.
Identifiers: ClinVar variation 1797814 (VCV001797814.2), dbSNP rs2089593473, ClinGen allele CA394281393.